The following is an entry in ClinVar:

NM_000391.4(TPP1):c.803G>C (p.Arg268Pro)

Gene: TPP1 (tripeptidyl peptidase 1; minus strand). Cytogenetic location: 11p15.4.
Variant type: single nucleotide variant.
Coding change: c.803G>C on transcript NM_000391.4 (MANE Select); coding-DNA position 803, G replaced by C.
Protein change: p.Arg268Pro; replaces arginine 268 with proline.
Molecular consequence: missense variant.
Genome position (GRCh38, 1-based): chr11:6,616,744, C>G on the plus strand (G>C on the coding strand, the complement: TPP1 is on the minus strand). VCF-style: chr11-6616744-C-G. GRCh37 (hg19) VCF-style: chr11-6637975-C-G.
Other names: short protein forms R268P.
Identifiers: ClinVar variation 2131834 (VCV002131834.2), dbSNP rs141920079, ClinGen allele CA5858833.

ClinVar aggregate classification (germline): Uncertain significance (1 of 4 stars; one submission).

Submission:

Labcorp Genetics (formerly Invitae), Labcorp
Classification: Uncertain significance. Last evaluated: 2022-09-27. Review status: criteria provided, single submitter. Criteria: Invitae Variant Classification Sherloc (09022015). Collection method: clinical testing. Allele origin: germline.
Comment: In summary, the available evidence is currently insufficient to determine the role of this variant in disease. Therefore, it has been classified as a Variant of Uncertain Significance. Advanced modeling of protein sequence and biophysical properties (such as structural, functional, and spatial information, amino acid conservation, physicochemical variation, residue mobility, and thermodynamic stability) performed at Invitae indicates that this missense variant is not expected to disrupt TPP1 protein function. This variant has not been reported in the literature in individuals affected with TPP1-related conditions. This variant is present in population databases (rs141920079, gnomAD 0.0009%). This sequence change replaces arginine, which is basic and polar, with proline, which is neutral and non-polar, at codon 268 of the TPP1 protein (p.Arg268Pro).